The following is an entry in ClinVar:

NM_000059.4(BRCA2):c.1841T>C (p.Ile614Thr)

Gene: BRCA2 (BRCA2 DNA repair associated; plus strand). Cytogenetic location: 13q13.1.
Variant type: single nucleotide variant.
Coding change: c.1841T>C on transcript NM_000059.4 (MANE Select); coding-DNA position 1841, T replaced by C.
Protein change: p.Ile614Thr; replaces isoleucine 614 with threonine.
Molecular consequence: missense variant.
Genome position (GRCh38, 1-based): chr13:32,333,319, T>C. VCF-style: chr13-32333319-T-C. GRCh37 (hg19) VCF-style: chr13-32907456-T-C.
Other names: short protein forms I614T.
Identifiers: ClinVar variation 632720 (VCV000632720.7), dbSNP rs1566224476, ClinGen allele CA387766286.

ClinVar aggregate classification (germline): Conflicting classifications of pathogenicity. Review status: criteria provided, conflicting classifications (1 of 4 stars). 4 submissions from 4 submitters: Uncertain significance (2); Likely benign (2). Last evaluated 2025-07-27.

Conditions:
Hereditary cancer-predisposing syndrome. Also called: Tumor predisposition; Neoplastic Syndromes, Hereditary; Hereditary neoplastic syndrome; Hereditary Cancer Syndrome. Identifiers: Orphanet 140162, MedGen C0027672, MeSH D009386, MONDO:0015356.
Hereditary breast ovarian cancer syndrome. Also called: Hereditary breast and ovarian cancer; Hereditary breast and ovarian cancer syndrome (HBOC); Breast and ovarian cancer; Hereditary breast and ovarian cancer syndrome; BRCA1- and BRCA2-Associated Hereditary Breast and Ovarian Cancer; Hereditary breast and/or ovarian cancer syndrome. Identifiers: Orphanet 145, MedGen C0677776, MeSH D061325, MONDO:0003582. Disease mechanism: loss of function.

Submissions (4):

Labcorp Genetics (formerly Invitae), Labcorp
Classification: Uncertain significance for Hereditary breast ovarian cancer syndrome. Last evaluated: 2025-07-27. Review status: criteria provided, single submitter. Criteria: Invitae Variant Classification Sherloc (09022015). Collection method: clinical testing. Allele origin: germline.
Comment: This sequence change replaces isoleucine, which is neutral and non-polar, with threonine, which is neutral and polar, at codon 614 of the BRCA2 protein (p.Ile614Thr). This variant is not present in population databases (gnomAD no frequency). This variant has not been reported in the literature in individuals affected with BRCA2-related conditions. ClinVar contains an entry for this variant (Variation ID: 632720). Invitae Evidence Modeling of protein sequence and biophysical properties (such as structural, functional, and spatial information, amino acid conservation, physicochemical variation, residue mobility, and thermodynamic stability) indicates that this missense variant is not expected to disrupt BRCA2 protein function with a negative predictive value of 95%. In summary, the available evidence is currently insufficient to determine the role of this variant in disease. Therefore, it has been classified as a Variant of Uncertain Significance.

University of Washington Department of Laboratory Medicine, University of Washington
Classification: Likely benign for Hereditary cancer-predisposing syndrome. Last evaluated: 2023-03-23. Review status: criteria provided, single submitter. Criteria: Dines et al. (Genet Med. 2020). Collection method: curation. Allele origin: germline.
Comment: Missense variant in a coldspot region where missense variants are very unlikely to be pathogenic (PMID:31911673).

BRCA2 exon 10 coldspot. Reclassification based on statistical prior probability.

Ambry Genetics
Classification: Likely benign for Hereditary cancer-predisposing syndrome. Last evaluated: 2019-09-20. Review status: criteria provided, single submitter. Criteria: Ambry Variant Classification Scheme 2023. Collection method: clinical testing. Allele origin: germline.

Women's Health and Genetics/Laboratory Corporation of America, LabCorp
Classification: Uncertain significance. Last evaluated: 2018-12-03. Review status: criteria provided, single submitter. Criteria: LabCorp Variant Classification Summary - May 2015. Collection method: clinical testing. Allele origin: germline.
Comment: Variant summary: BRCA2 c.1841T>C (p.Ile614Thr) results in a non-conservative amino acid change in the encoded protein sequence. Four of five in-silico tools predict a benign effect of the variant on protein function. The variant was absent in 237304 control chromosomes. The available data on variant occurrences in the general population are insufficient to allow any conclusion about variant significance. To our knowledge, no occurrence of c.1841T>C in individuals affected with Hereditary Breast and Ovarian Cancer and no experimental evidence demonstrating its impact on protein function have been reported. No clinical diagnostic laboratories have submitted clinical-significance assessments for this variant to ClinVar after 2014. Based on the evidence outlined above, the variant was classified as uncertain significance.